The following is an entry in ClinVar:

NM_001134831.2(AHI1):c.3033A>G (p.Ser1011=)

Gene: AHI1 (Abelson helper integration site 1; minus strand). Cytogenetic location: 6q23.3.
Variant type: single nucleotide variant.
Coding change: c.3033A>G on transcript NM_001134831.2 (MANE Select); coding-DNA position 3033, A replaced by G.
Protein change: p.Ser1011=; no amino-acid change (serine 1011 retained).
Molecular consequence: synonymous variant.
Genome position (GRCh38, 1-based): chr6:135,394,852, T>C on the plus strand (A>G on the coding strand, the complement: AHI1 is on the minus strand). VCF-style: chr6-135394852-T-C. GRCh37 (hg19) VCF-style: chr6-135715990-T-C.
Other names: c.3033A>G, p.Ser1011= (NM_001134830.2, NM_001134832.2, NM_001350503.2 and 2 more transcripts).
Identifiers: ClinVar variation 383628 (VCV000383628.17), dbSNP rs372030704, ClinGen allele CA4012185.
Genomic context (GRCh38, chr6:135,394,852, plus strand): 5'-AAACTGATGTAGAATCTCTTGAGCGGTCAGCATGTTTGACTGCTTTAACTTAGACTGTTG[T>C]GAGGAAACTGCTGGTGGTGAAGTAAATGAGAGATTTTTGTTGACCTGTATTAGGAAAACA-3'
Protein context (NP_001128303.1, residues 1001-1021): LSFTSPPAVS[Ser1011=]QQSKLKQSNM

ClinVar aggregate classification (germline): Conflicting classifications of pathogenicity. Review status: criteria provided, conflicting classifications (1 of 4 stars). 4 submissions from 4 submitters: Uncertain significance (1); Likely benign (3). Last evaluated 2025-12-03.

Conditions:
Joubert syndrome 3 (JBTS3). Also called: AHI1-related Ciliopathy. Identifiers: Orphanet 220493, MedGen C1837713, MONDO:0012078, OMIM 608629.
Joubert syndrome. Also called: Familial aplasia of the vermis; JOUBERT-BOLTSHAUSER SYNDROME. Identifiers: Orphanet 475, MedGen C5979921, MONDO:0018772.

Allele frequency attached by ClinVar (database versions not stated): ExAC 0.00008; ESP Exome Variant Server 0.00008; gnomAD exomes 0.00008 and 0.00033; TOPMed 0.00008; gnomAD 0.00009 and 0.00010.
gnomAD v4.1: 475 of 1,605,210 alleles (0.03%); highest among the groups gnomAD compares: Non-Finnish European, 0.039%; no homozygotes.

Submissions (4):

Labcorp Genetics (formerly Invitae), Labcorp
Classification: Likely benign for Joubert syndrome. Last evaluated: 2025-12-03. Review status: criteria provided, single submitter. Criteria: Invitae Variant Classification Sherloc (09022015). Collection method: clinical testing. Allele origin: germline.

Blueprint Genetics
Classification: Likely benign. Last evaluated: 2024-05-28. Review status: criteria provided, single submitter. Criteria: ACMG Guidelines, 2015. Collection method: clinical testing. Allele origin: germline.

Illumina Laboratory Services, Illumina
Classification: Uncertain significance for Joubert syndrome 3. Last evaluated: 2018-01-13. Review status: criteria provided, single submitter. Criteria: ICSL Variant Classification Criteria 13 December 2019. Collection method: clinical testing. Allele origin: germline.

GeneDx
Classification: Likely benign. Last evaluated: 2016-02-11. Review status: criteria provided, single submitter. Criteria: GeneDx Variant Classification (06012015). Collection method: clinical testing. Allele origin: germline. Affected: yes.
Comment: This variant is considered likely benign or benign based on one or more of the following criteria: it is a conservative change, it occurs at a poorly conserved position in the protein, it is predicted to be benign by multiple in silico algorithms, and/or has population frequency not consistent with disease.